The following is an entry in ClinVar:

ClinVar aggregate classification (germline): Uncertain significance (1 of 4 stars; one submission).

Conditions:
Rhabdoid tumor predisposition syndrome 2 (RTPS2). Identifiers: Orphanet 231108, Orphanet 69077, MedGen C2750074, MONDO:0013224, OMIM 613325.

Submission:

Labcorp Genetics (formerly Invitae), Labcorp
Classification: Uncertain significance for Rhabdoid tumor predisposition syndrome 2. Last evaluated: 2021-10-05. Review status: criteria provided, single submitter. Criteria: Invitae Variant Classification Sherloc (09022015). Collection method: clinical testing. Allele origin: germline.
Comment: This variant, c.692_693insGCCTGG, results in the insertion of 2 amino acid(s) to the SMARCA4 protein (p.Gly243_Pro244dup), but otherwise preserves the integrity of the reading frame. The frequency data for this variant in the population databases is considered unreliable, as metrics indicate insufficient coverage at this position in the ExAC database. This variant has not been reported in the literature in individuals affected with SMARCA4-related conditions. Experimental studies and prediction algorithms are not available or were not evaluated, and the functional significance of this variant is currently unknown. In summary, the available evidence is currently insufficient to determine the role of this variant in disease. Therefore, it has been classified as a Variant of Uncertain Significance.

NM_003072.5(SMARCA4):c.692_693insGCCTGG (p.229GP[9])

Gene: SMARCA4 (SWI/SNF related BAF chromatin remodeling complex subunit ATPase 4; plus strand). Cytogenetic location: 19p13.2.
Variant type: Insertion.
Coding change: c.692_693insGCCTGG on transcript NM_003072.5 (MANE Select); coding-DNA positions 692 to 693, GCCTGG inserted.
Protein change: p.229GP[9].
Molecular consequence: inframe insertion. On other transcripts: non-coding transcript variant (1).
Genome position: GRCh38 VCF-style: chr19-10986523-C-CGGGCCT. GRCh37 (hg19) VCF-style: chr19-11097199-C-CGGGCCT.
Other names: c.692_693insGCCTGG, p.229GP[9] (NM_001128844.3, NM_001128845.2, NM_001128846.2 and 5 more transcripts).
Identifiers: ClinVar variation 1448903 (VCV001448903.6), dbSNP rs2145783521, ClinGen allele CA2573155670.